The following is an entry in ClinVar:

NM_177438.3(DICER1):c.4257G>A (p.Glu1419=)

Gene: DICER1 (dicer 1, ribonuclease III; minus strand). Cytogenetic location: 14q32.13.
Variant type: single nucleotide variant.
Coding change: c.4257G>A on transcript NM_177438.3 (MANE Select); coding-DNA position 4257, G replaced by A.
Protein change: p.Glu1419=; no amino-acid change (glutamic acid 1419 retained).
Molecular consequence: synonymous variant.
Genome position (GRCh38, 1-based): chr14:95,096,663, C>T on the plus strand (G>A on the coding strand, the complement: DICER1 is on the minus strand). VCF-style: chr14-95096663-C-T. GRCh37 (hg19) VCF-style: chr14-95563000-C-T.
Other names: c.4257G>A, p.Glu1419= (NM_001195573.1, NM_001271282.3, NM_001291628.2 and 1 more transcripts).
Identifiers: ClinVar variation 1121968 (VCV001121968.11), dbSNP rs1486741089, ClinGen allele CA487844336.

ClinVar aggregate classification (germline): Benign/Likely benign. Review status: criteria provided, multiple submitters, no conflicts (2 of 4 stars). 3 submissions from 3 submitters: Benign (1); Likely benign (2). Last evaluated 2026-04-17.

Conditions:
Hereditary cancer-predisposing syndrome. Also called: Neoplastic Syndromes, Hereditary; Tumor predisposition; Hereditary Cancer Syndrome; Hereditary neoplastic syndrome. Identifiers: Orphanet 140162, MedGen C0027672, MeSH D009386, MONDO:0015356.
DICER1-related tumor predisposition. Also called: DICER1 syndrome; DICER1-related pleuropulmonary blastoma cancer predisposition syndrome. Identifiers: Orphanet 284343, MedGen C3839822, MONDO:0100216.

Allele frequency attached by ClinVar (database versions not stated): TOPMed below 0.00001.
gnomAD v4.1: 1 of 1,612,920 alleles (0.000062%); highest among the groups gnomAD compares: East Asian, 0.0022%; no homozygotes.

Submissions (3):

Myriad Genetics, Inc.
Classification: Benign for DICER1-related tumor predisposition. Last evaluated: 2026-04-17. Review status: criteria provided, single submitter. Criteria: Myriad Autosomal Dominant, Autosomal Recessive and X-Linked Classification Criteria (2023). Collection method: clinical testing. Allele origin: unknown.
Comment: This variant is considered benign. This variant is a silent/synonymous amino acid change and it is not expected to impact splicing.

Labcorp Genetics (formerly Invitae), Labcorp
Classification: Likely benign for DICER1-related tumor predisposition. Last evaluated: 2022-03-22. Review status: criteria provided, single submitter. Criteria: Invitae Variant Classification Sherloc (09022015). Collection method: clinical testing. Allele origin: germline.

Ambry Genetics
Classification: Likely benign for Hereditary cancer-predisposing syndrome. Last evaluated: 2022-01-25. Review status: criteria provided, single submitter. Criteria: Ambry Variant Classification Scheme 2023. Collection method: clinical testing. Allele origin: germline.